The following is an entry in ClinVar:

ClinVar aggregate classification (germline): Benign (1 of 4 stars; one submission).

Allele frequency attached by ClinVar (database versions not stated): 1000 Genomes Project 0.79974; 1000 Genomes Project 30x 0.80666; TOPMed 0.83117; gnomAD 0.83302.

Submission:

GeneDx
Classification: Benign. Last evaluated: 2018-06-14. Review status: criteria provided, single submitter. Criteria: GeneDx Variant Classification (06012015). Collection method: clinical testing. Allele origin: germline. Affected: yes.
Comment: This variant is considered likely benign or benign based on one or more of the following criteria: it is a conservative change, it occurs at a poorly conserved position in the protein, it is predicted to be benign by multiple in silico algorithms, and/or has population frequency not consistent with disease.

NM_004006.3(DMD):c.9564-287T>C

Gene: DMD (dystrophin; minus strand). Cytogenetic location: Xp21.2.
Variant type: single nucleotide variant.
Coding change: c.9564-287T>C on transcript NM_004006.3 (MANE Select); 287 bases into the intron before coding-DNA position 9564, T replaced by C.
Molecular consequence: intron variant.
Genome position (GRCh38, 1-based): chrX:31,206,954, A>G on the plus strand (T>C on the coding strand, the complement: DMD is on the minus strand). VCF-style: chrX-31206954-A-G. GRCh37 (hg19) VCF-style: chrX-31225071-A-G.
Other names: c.9540-287T>C (NM_000109.4); c.5541-287T>C (NM_004011.4); c.5532-287T>C (NM_004012.4); c.2184-287T>C (NM_004023.3, NM_004020.4, NM_004022.3 and 2 more transcripts); c.1377-287T>C (NM_004014.3); c.360-287T>C (NM_004018.3, NM_004017.3, NM_004016.3 and 2 more transcripts); c.9552-287T>C (NM_004009.3); c.9195-287T>C (NM_004010.3).
Identifiers: ClinVar variation 678092 (VCV000678092.1), dbSNP rs5927704, ClinGen allele CA328407936.